The following is an entry in ClinVar:

NM_002705.5(PPL):c.2159G>A (p.Arg720His)

Gene: PPL (periplakin; minus strand). Cytogenetic location: 16p13.3.
Variant type: single nucleotide variant.
Coding change: c.2159G>A on transcript NM_002705.5 (MANE Select); coding-DNA position 2159, G replaced by A.
Protein change: p.Arg720His; replaces arginine 720 with histidine.
Molecular consequence: missense variant.
Genome position (GRCh38, 1-based): chr16:4,890,731, C>T on the plus strand (G>A on the coding strand, the complement: PPL is on the minus strand). VCF-style: chr16-4890731-C-T. GRCh37 (hg19) VCF-style: chr16-4940732-C-T.
Other names: short protein forms R720H.
Identifiers: ClinVar variation 2646170 (VCV002646170.24), dbSNP rs138302153, ClinGen allele CA7886244.
Genomic context (GRCh38, chr16:4,890,731, plus strand): 5'-GGGAATTAGATCGCATTCTCAGAAAACAAAAATGGCCACCACCCACCGCACCCTCACCTG[C>T]GTTCCACCTGCTGGCGCAGGTTGTTGAAACGCTGGCCCAGCTTGTGCACCTCGGCCTCCT-3'
Protein context (NP_002696.4, residues 710-730): RFNNLRQQVE[Arg720His]RAQSLQSAKA

ClinVar aggregate classification (germline): Likely benign (1 of 4 stars; one submission).

Allele frequency attached by ClinVar (database versions not stated): 1000 Genomes Project 30x 0.00125; 1000 Genomes Project 0.00140; gnomAD 0.00237; TOPMed 0.00254; gnomAD exomes 0.00325; ESP Exome Variant Server 0.00378; ExAC 0.00432.
gnomAD v4.1: 5,189 of 1,605,200 alleles (0.32%); highest among the groups gnomAD compares: Middle Eastern, 0.94%; 20 homozygotes.

Submission:

CeGaT Center for Human Genetics Tuebingen
Classification: Likely benign. Last evaluated: 2022-12-01. Review status: criteria provided, single submitter. Criteria: CeGaT Center For Human Genetics Tuebingen Variant Classification Criteria Version 2. Collection method: clinical testing. Allele origin: germline. Affected: yes. Observed: 2 variant alleles.
Comment: PPL: BP4, BS2